The following is an entry in ClinVar:

NM_000321.3(RB1):c.545C>A (p.Ser182Tyr)

Gene: RB1 (RB transcriptional corepressor 1; plus strand). Cytogenetic location: 13q14.2.
Variant type: single nucleotide variant.
Coding change: c.545C>A on transcript NM_000321.3 (MANE Select); coding-DNA position 545, C replaced by A.
Protein change: p.Ser182Tyr; replaces serine 182 with tyrosine.
Molecular consequence: missense variant.
Genome position (GRCh38, 1-based): chr13:48,348,961, C>A. VCF-style: chr13-48348961-C-A. GRCh37 (hg19) VCF-style: chr13-48923097-C-A.
Other names: c.545C>A, p.Ser182Tyr (NM_001407165.1, NM_001407166.1); short protein forms S182Y.
Identifiers: ClinVar variation 2053707 (VCV002053707.5), dbSNP rs2138093433, ClinGen allele CA388156886.
Genomic context (GRCh38, chr13:48,348,961, plus strand): 5'-TTCTTTCAGTGATACATTTTTCCTGTTTTTTTTCTGCTTTCTATTTGTTTAATAGGATAT[C>A]TACTGAAATAAATTCTGCATTGGTGCTAAAAGTTTCTTGGATCACATTTTTATTAGCTAA-3'
Protein context (NP_000312.2, residues 172-192): IYLTQPSSSI[Ser182Tyr]TEINSALVLK

ClinVar aggregate classification (germline): Uncertain significance. Review status: criteria provided, multiple submitters, no conflicts (2 of 4 stars). 2 submissions from 2 submitters: Uncertain significance (2). Last evaluated 2024-09-01.

Conditions:
Hereditary cancer-predisposing syndrome. Also called: Hereditary neoplastic syndrome; Neoplastic Syndromes, Hereditary; Tumor predisposition; Hereditary Cancer Syndrome. Identifiers: Orphanet 140162, MedGen C0027672, MeSH D009386, MONDO:0015356.
Retinoblastoma (RB1). Also called: RETINOBLASTOMA, SOMATIC. Identifiers: Orphanet 790, MedGen C0035335, MeSH D012175, MONDO:0008380, OMIM 180200, HP:0009919. Disease mechanism: loss of function. Inheritance: Both sporadic and heritable forms are tested..

Allele frequency attached by ClinVar (database versions not stated): gnomAD exomes below 0.00001.
gnomAD v4.1: 1 of 1,598,576 alleles (0.000063%); highest among the groups gnomAD compares: Non-Finnish European, 0.000085%; no homozygotes.

Submissions (2):

Ambry Genetics
Classification: Uncertain significance for Hereditary cancer-predisposing syndrome. Last evaluated: 2024-09-01. Review status: criteria provided, single submitter. Criteria: Ambry Variant Classification Scheme 2023. Collection method: clinical testing. Allele origin: germline.
Comment: The p.S182Y variant (also known as c.545C>A), located in coding exon 6 of the RB1 gene, results from a C to A substitution at nucleotide position 545. The serine at codon 182 is replaced by tyrosine, an amino acid with dissimilar properties. This amino acid position is conserved. In addition, this alteration is predicted to be tolerated by in silico analysis. Based on the available evidence, the clinical significance of this variant remains unclear.

Labcorp Genetics (formerly Invitae), Labcorp
Classification: Uncertain significance for Retinoblastoma. Last evaluated: 2022-07-11. Review status: criteria provided, single submitter. Criteria: Invitae Variant Classification Sherloc (09022015). Collection method: clinical testing. Allele origin: germline.
Comment: This variant is not present in population databases (gnomAD no frequency). This sequence change replaces serine, which is neutral and polar, with tyrosine, which is neutral and polar, at codon 182 of the RB1 protein (p.Ser182Tyr). This variant has not been reported in the literature in individuals affected with RB1-related conditions. In summary, the available evidence is currently insufficient to determine the role of this variant in disease. Therefore, it has been classified as a Variant of Uncertain Significance. Algorithms developed to predict the effect of missense changes on protein structure and function are either unavailable or do not agree on the potential impact of this missense change (SIFT: "Deleterious"; PolyPhen-2: "Possibly Damaging"; Align-GVGD: "Class C0").